The following is an entry in ClinVar:

NM_001844.5(COL2A1):c.4075-14C>G

Gene: COL2A1 (collagen type II alpha 1 chain; minus strand). Cytogenetic location: 12q13.11.
Variant type: single nucleotide variant.
Coding change: c.4075-14C>G on transcript NM_001844.5 (MANE Select); 14 bases into the intron before coding-DNA position 4075, C replaced by G.
Molecular consequence: intron variant.
Genome position (GRCh38, 1-based): chr12:47,974,345, G>C on the plus strand (C>G on the coding strand, the complement: COL2A1 is on the minus strand). VCF-style: chr12-47974345-G-C. GRCh37 (hg19) VCF-style: chr12-48368128-G-C.
Other names: c.3868-14C>G (NM_033150.3).
Identifiers: ClinVar variation 258236 (VCV000258236.21), dbSNP rs12721425, ClinGen allele CA6534549.

ClinVar aggregate classification (germline): Benign. Review status: criteria provided, multiple submitters, no conflicts (2 of 4 stars). 10 submissions from 9 submitters: Benign (8). 2 of the submissions do not count toward it. Last evaluated 2026-05-09.

Conditions:
Type 2 collagenopathy. Identifiers: Orphanet 93421, MedGen C2931073, MONDO:0022800.
Stickler syndrome type 1 (STL1). Also called: STICKLER SYNDROME, MEMBRANOUS VITREOUS TYPE; STICKLER SYNDROME, VITREOUS TYPE 1; ARTHROOPHTHALMOPATHY, HEREDITARY PROGRESSIVE; COL2A1-Related Stickler Syndrome. Identifiers: Orphanet 828, Orphanet 90653, MedGen C2020284, MONDO:0007160, OMIM 108300.

Allele frequency attached by ClinVar (database versions not stated): 1000 Genomes Project 0.02556; 1000 Genomes Project 30x 0.02686; TOPMed 0.04561; gnomAD 0.05270 and 0.05398; ESP Exome Variant Server 0.05374; ExAC 0.05501.
gnomAD v4.1: 110,400 of 1,613,128 alleles (6.8%); highest among the groups gnomAD compares: Non-Finnish European, 8%; 4,352 homozygotes.

Submissions (11):

Women's Health and Genetics/Laboratory Corporation of America, LabCorp
Classification: Benign. Last evaluated: 2026-05-09. Review status: criteria provided, single submitter. Criteria: LabCorp Variant Classification Summary - May 2015. Collection method: clinical testing. Allele origin: germline.

Labcorp Genetics (formerly Invitae), Labcorp
Classification: Benign. Last evaluated: 2026-02-04. Review status: criteria provided, single submitter. Criteria: Invitae Variant Classification Sherloc (09022015). Collection method: clinical testing. Allele origin: germline.

Blueprint Genetics
Classification: Benign. Last evaluated: 2024-11-27. Review status: criteria provided, single submitter. Criteria: ACMG Guidelines, 2015. Collection method: clinical testing. Allele origin: germline.

Illumina Laboratory Services, Illumina
Classification: Benign for Stickler syndrome type 1. Last evaluated: 2018-01-12. Review status: criteria provided, single submitter. Criteria: ICSL Variant Classification Criteria 13 December 2019. Collection method: clinical testing. Allele origin: germline.
Comment: This variant was observed in the ICSL laboratory as part of a predisposition screen in an ostensibly healthy population. It had not been previously curated by ICSL or reported in the Human Gene Mutation Database (HGMD: prior to June 1st, 2018), and was therefore a candidate for classification through an automated scoring system. Utilizing variant allele frequency, disease prevalence and penetrance estimates, and inheritance mode, an automated score was calculated to assess if this variant is too frequent to cause the disease. Based on the score and internal cut-off values, a variant classified as benign is not then subjected to further curation. The score for this variant resulted in a classification of benign for this disease.

Illumina Laboratory Services, Illumina
Classification: Benign for Type II Collagenopathies. Last evaluated: 2018-01-12. Review status: criteria provided, single submitter. Criteria: ICSL Variant Classification Criteria 13 December 2019. Collection method: clinical testing. Allele origin: germline.
Comment: the same text as in the submission from Illumina Laboratory Services, Illumina above.

GeneDx
Classification: Benign. Last evaluated: 2016-04-26. Review status: criteria provided, single submitter. Criteria: GeneDx Variant Classification (06012015). Collection method: clinical testing. Allele origin: germline. Affected: yes.
Comment: This variant is considered likely benign or benign based on one or more of the following criteria: it is a conservative change, it occurs at a poorly conserved position in the protein, it is predicted to be benign by multiple in silico algorithms, and/or has population frequency not consistent with disease.

Breakthrough Genomics
Classification: Benign. Review status: criteria provided, single submitter. Criteria: ACMG Guidelines, 2015. Collection method: not provided. Allele origin: germline. Inheritance: Autosomal dominant inheritance. Affected: yes.

PreventionGenetics, part of Exact Sciences
Classification: Benign. Review status: criteria provided, single submitter. Criteria: ACMG Guidelines, 2015. Collection method: clinical testing. Allele origin: germline.

Dr. Peter K. Rogan Lab, Western University
No classification provided (evidence only). Condition: Uveal melanoma. Review status: no classification provided. Collection method: in vitro. Allele origin: not applicable. Functional consequence: retained intron. Not counted in ClinVar's aggregate classification.

Genome Diagnostics Laboratory, Amsterdam University Medical Center
Classification: Benign. Review status: no assertion criteria provided. Collection method: clinical testing. Allele origin: germline. Affected: yes. Study: VKGL Data-share Consensus. Not counted in ClinVar's aggregate classification.

Joint Genome Diagnostic Labs from Nijmegen and Maastricht, Radboudumc and MUMC+
Classification: Benign. Review status: no assertion criteria provided. Collection method: clinical testing. Allele origin: germline. Affected: yes. Study: VKGL Data-share Consensus. Not counted in ClinVar's aggregate classification.